The following is an entry in ClinVar:

ClinVar aggregate classification (germline): Likely pathogenic (1 of 4 stars; one submission).

Conditions:
Retinoblastoma (RB1). Also called: RETINOBLASTOMA, SOMATIC. Identifiers: Orphanet 790, MedGen C0035335, MeSH D012175, MONDO:0008380, OMIM 180200, HP:0009919. Disease mechanism: loss of function. Inheritance: Both sporadic and heritable forms are tested..

Submission:

Diller/Parad Lab, Dana-Farber/Harvard Cancer Center
Classification: Likely pathogenic for Retinoblastoma. Last evaluated: 2026-05-29. Review status: criteria provided, single submitter. Criteria: ACMG Guidelines, 2015. Collection method: research. Allele origin: germline. Affected: yes.
Comment: It has been classified as Likely Pathogenic using Richards et al (PMID:25741868) based on the following evidence codes: PM2, PVS1.

NM_000321.3(RB1):c.2483_2484insGAAATAAAAGA (p.Arg828_Ser829insLysTer)

Gene: RB1 (RB transcriptional corepressor 1; plus strand). Cytogenetic location: 13q14.2.
Variant type: Insertion.
Coding change: c.2483_2484insGAAATAAAAGA on transcript NM_000321.3 (MANE Select); coding-DNA positions 2483 to 2484, GAAATAAAAGA inserted.
Protein change: p.Arg828_Ser829insLysTer.
Molecular consequence: nonsense, inframe insertion.
Genome position: GRCh38 VCF-style: chr13-48465362-G-GGAAATAAAAGA. GRCh37 (hg19) VCF-style: chr13-49039498-G-GGAAATAAAAGA.
Other names: c.2483_2484insGAAATAAAAGA, p.Arg828_Ser829insLysTer (NM_001407165.1).
Identifiers: ClinVar variation 4884450 (VCV004884450.1).